The following is an entry in ClinVar:

ClinVar aggregate classification (germline): Uncertain significance (1 of 4 stars; one submission).

Conditions:
Ichthyosis vulgaris. Also called: Dominant ichthyosis vulgaris; ICHTHYOSIS SIMPLEX. Identifiers: MedGen C0079584, MONDO:0024304, OMIM 146700.

Submission:

Victorian Clinical Genetics Services, Murdoch Childrens Research Institute
Classification: Uncertain significance for Ichthyosis vulgaris. Last evaluated: 2019-08-28. Review status: criteria provided, single submitter. Criteria: ACMG Guidelines, 2015. Collection method: clinical testing. Allele origin: germline. Affected: yes.
Comment: A heterozygous missense variant was identified, NM_002016.1(FLG):c.7528T>A in exon 3 of 3 of the FLG gene. This substitution is predicted to create a minor amino acid change from serine to threonine at position 2510 of the protein, NP_002007.1(FLG):p.(Ser2510Thr). The serine at this position has low conservation (100 vertebrates, UCSC), and is not situated in a known functional domain. In silico software predicts this variant to be benign (Polyphen, SIFT, CADD, Mutation Taster). The variant is present in the gnomAD population database at a frequency of 0.0060% (15 heterozygotes, 1 homozygote). The variant has not been previously reported in a clinical case. Based on information available at the time of curation, this variant has been classified as a VARIANT of UNCERTAIN SIGNIFICANCE (VUS) with LOW CLINICAL RELEVANCE.

NM_002016.2(FLG):c.7528T>A (p.Ser2510Thr)

Genes: FLG (filaggrin; minus strand), CCDST (cervical cancer associated DHX9 suppressive transcript; plus strand). Cytogenetic location: 1q21.3.
Variant type: single nucleotide variant.
Coding change: c.7528T>A on transcript NM_002016.2 (MANE Select); coding-DNA position 7528, T replaced by A.
Protein change: p.Ser2510Thr; replaces serine 2510 with threonine.
Molecular consequence: missense variant.
Genome position (GRCh38, 1-based): chr1:152,307,358, A>T on the plus strand (T>A on the coding strand, the complement: FLG is on the minus strand). VCF-style: chr1-152307358-A-T. GRCh37 (hg19) VCF-style: chr1-152279834-A-T.
Other names: short protein forms S2510T.
Identifiers: ClinVar variation 3377408 (VCV003377408.1).
Genomic context (GRCh38, chr1:152,307,358, plus strand): 5'-AGTGCCTGGAGCCGTCTCCTGATTGTTCATCGTTACGAGTTTGTCTGCTTGCACTTCTGG[A>T]TCCTGAGTGCCCATGGGAGGCATCAGACCTTCCCTGGGATGTGGTGTGGCTGTGATGAGA-3'
Protein context (NP_002007.1, residues 2500-2520): RSDASHGHSG[Ser2510Thr]RSASRQTRND